The following is an entry in ClinVar:

NM_000179.3(MSH6):c.3556+8T>A

Gene: MSH6 (mutS homolog 6; plus strand). Cytogenetic location: 2p16.3.
Variant type: single nucleotide variant.
Coding change: c.3556+8T>A on transcript NM_000179.3 (MANE Select); 8 bases into the intron after coding-DNA position 3556, T replaced by A.
Molecular consequence: intron variant.
Genome position (GRCh38, 1-based): chr2:47,805,035, T>A. VCF-style: chr2-47805035-T-A. GRCh37 (hg19) VCF-style: chr2-48032174-T-A.
Other names: c.2650+8T>A (NM_001281493.2, NM_001281494.2); c.3166+8T>A (NM_001281492.2).
Identifiers: ClinVar variation 753419 (VCV000753419.12), dbSNP rs1572739154, ClinGen allele CA915943962.

ClinVar aggregate classification (germline): Likely benign. Review status: criteria provided, multiple submitters, no conflicts (2 of 4 stars). 2 submissions from 2 submitters: Likely benign (2). Last evaluated 2025-04-10.

Conditions:
Hereditary nonpolyposis colorectal neoplasms. Identifiers: MedGen C0009405, MeSH D003123.
Lynch syndrome 5 (LYNCH5). Also called: Hereditary non-polyposis colorectal cancer, type 5; Colorectal cancer, hereditary nonpolyposis, type 5. Identifiers: Orphanet 144, MedGen C1833477, MONDO:0013710, OMIM 614350. Disease mechanism: loss of function.

Allele frequency attached by ClinVar (database versions not stated): gnomAD exomes below 0.00001.
gnomAD v4.1: 1 of 1,584,856 alleles (0.000063%); highest among the groups gnomAD compares: Non-Finnish European, 0.000087%; no homozygotes.

Submissions (2):

Labcorp Genetics (formerly Invitae), Labcorp
Classification: Likely benign for Hereditary nonpolyposis colorectal neoplasms. Last evaluated: 2025-04-10. Review status: criteria provided, single submitter. Criteria: Invitae Variant Classification Sherloc (09022015). Collection method: clinical testing. Allele origin: germline.

Myriad Genetics, Inc.
Classification: Likely benign for Lynch syndrome 5. Last evaluated: 2025-01-07. Review status: criteria provided, single submitter. Criteria: Myriad Autosomal Dominant, Autosomal Recessive and X-Linked Classification Criteria (2023). Collection method: clinical testing. Allele origin: unknown.
Comment: This variant is considered likely benign. This variant is intronic and is not expected to impact mRNA splicing.